The following is an entry in ClinVar:

ClinVar aggregate classification (germline): Uncertain significance (1 of 4 stars; one submission).

Conditions:
Pityriasis rubra pilaris (PRP). Also called: Pityriasis rubra pilaris--familial type. Identifiers: Orphanet 2897, MedGen C0032027, MONDO:0100017, OMIM 173200, MONDO:0008251.
Psoriasis 2. Identifiers: MedGen C1864497, MONDO:0011269, OMIM 602723.

Allele frequency attached by ClinVar (database versions not stated): gnomAD exomes below 0.00001; TOPMed below 0.00001.
gnomAD v4.1: 6 of 1,589,406 alleles (0.00038%); highest among the groups gnomAD compares: Non-Finnish European, 0.00052%; no homozygotes.

Submission:

Labcorp Genetics (formerly Invitae), Labcorp
Classification: Uncertain significance for Pityriasis rubra pilaris; Psoriasis 2. Last evaluated: 2020-10-07. Review status: criteria provided, single submitter. Criteria: Invitae Variant Classification Sherloc (09022015). Collection method: clinical testing. Allele origin: germline.
Comment: This sequence change replaces glycine with aspartic acid at codon 791 of the CARD14 protein (p.Gly791Asp). The glycine residue is weakly conserved and there is a moderate physicochemical difference between glycine and aspartic acid. This variant is not present in population databases (ExAC no frequency). This variant has not been reported in the literature in individuals with CARD14-related disease. Algorithms developed to predict the effect of missense changes on protein structure and function are either unavailable or do not agree on the potential impact of this missense change (SIFT: "Deleterious"; PolyPhen-2: "Benign"; Align-GVGD: "Class C0"). In summary, the available evidence is currently insufficient to determine the role of this variant in disease. Therefore, it has been classified as a Variant of Uncertain Significance.

NM_001366385.1(CARD14):c.2372G>A (p.Gly791Asp)

Genes: CARD14 (caspase recruitment domain family member 14; plus strand), SGSH (N-sulfoglucosamine sulfohydrolase; minus strand). Cytogenetic location: 17q25.3.
Variant type: single nucleotide variant.
Coding change: c.2372G>A on transcript NM_001366385.1 (MANE Select); coding-DNA position 2372, G replaced by A.
Protein change: p.Gly791Asp; replaces glycine 791 with aspartic acid.
Molecular consequence: missense variant. On other transcripts: non-coding transcript variant (1).
Genome position (GRCh38, 1-based): chr17:80,204,315, G>A. VCF-style: chr17-80204315-G-A. GRCh37 (hg19) VCF-style: chr17-78178114-G-A.
Other names: c.2372G>A, p.Gly791Asp (NM_024110.4); short protein forms G791D.
Identifiers: ClinVar variation 647082 (VCV000647082.9), dbSNP rs1217182656, ClinGen allele CA401355613.